The following is an entry in ClinVar:

ClinVar aggregate classification (germline): Uncertain significance. Review status: criteria provided, multiple submitters, no conflicts (2 of 4 stars). 2 submissions from 2 submitters: Uncertain significance (2). Last evaluated 2025-10-02.

Conditions:
Hereditary cancer-predisposing syndrome. Also called: Tumor predisposition; Neoplastic Syndromes, Hereditary; Hereditary Cancer Syndrome; Hereditary neoplastic syndrome. Identifiers: Orphanet 140162, MedGen C0027672, MeSH D009386, MONDO:0015356.
Carney complex, type 1 (CNC1). Also called: CARNEY COMPLEX, TYPE I; CARNEY MYXOMA-ENDOCRINE COMPLEX. Identifiers: Orphanet 1359, MedGen C2607929, MONDO:0008057, OMIM 160980.

Allele frequency attached by ClinVar (database versions not stated): gnomAD exomes below 0.00001 and 0.00001.
gnomAD v4.1: 18 of 1,613,996 alleles (0.0011%); highest among the groups gnomAD compares: Non-Finnish European, 0.0015%; no homozygotes.

Submissions (2):

Ambry Genetics
Classification: Uncertain significance for Hereditary cancer-predisposing syndrome. Last evaluated: 2025-10-02. Review status: criteria provided, single submitter. Criteria: Ambry Variant Classification Scheme 2023. Collection method: clinical testing. Allele origin: germline.
Comment: The p.I82F variant (also known as c.244A>T), located in coding exon 2 of the PRKAR1A gene, results from an A to T substitution at nucleotide position 244. The isoleucine at codon 82 is replaced by phenylalanine, an amino acid with highly similar properties. This amino acid position is conserved. In addition, the in silico prediction for this alteration is inconclusive. Based on the available evidence, the clinical significance of this variant remains unclear.

Labcorp Genetics (formerly Invitae), Labcorp
Classification: Uncertain significance for Carney complex, type 1. Last evaluated: 2024-03-15. Review status: criteria provided, single submitter. Criteria: Invitae Variant Classification Sherloc (09022015). Collection method: clinical testing. Allele origin: germline.
Comment: This sequence change replaces isoleucine, which is neutral and non-polar, with phenylalanine, which is neutral and non-polar, at codon 82 of the PRKAR1A protein (p.Ile82Phe). This variant is present in population databases (no rsID available, gnomAD 0.0009%). This variant has not been reported in the literature in individuals affected with PRKAR1A-related conditions. ClinVar contains an entry for this variant (Variation ID: 1382254). Advanced modeling of protein sequence and biophysical properties (such as structural, functional, and spatial information, amino acid conservation, physicochemical variation, residue mobility, and thermodynamic stability) performed at Invitae indicates that this missense variant is not expected to disrupt PRKAR1A protein function with a negative predictive value of 80%. In summary, the available evidence is currently insufficient to determine the role of this variant in disease. Therefore, it has been classified as a Variant of Uncertain Significance.

NM_002734.5(PRKAR1A):c.244A>T (p.Ile82Phe)

Gene: PRKAR1A (protein kinase cAMP-dependent type I regulatory subunit alpha; plus strand). Cytogenetic location: 17q24.2.
Variant type: single nucleotide variant.
Coding change: c.244A>T on transcript NM_002734.5 (MANE Select); coding-DNA position 244, A replaced by T.
Protein change: p.Ile82Phe; replaces isoleucine 82 with phenylalanine.
Molecular consequence: missense variant.
Genome position (GRCh38, 1-based): chr17:68,522,822, A>T. VCF-style: chr17-68522822-A-T. GRCh37 (hg19) VCF-style: chr17-66518963-A-T.
Other names: c.244A>T (NM_002734.3); c.244A>T, p.Ile82Phe (NM_001276289.2, NM_001276290.1, NM_001278433.2 and 4 more transcripts); short protein forms I82F.
Identifiers: ClinVar variation 1382254 (VCV001382254.9), dbSNP rs1470545069, ClinGen allele CA400752303.